The following is an entry in ClinVar:

ClinVar aggregate classification (germline): Uncertain significance (1 of 4 stars; one submission).

Submission:

Labcorp Genetics (formerly Invitae), Labcorp
Classification: Uncertain significance. Last evaluated: 2022-04-13. Review status: criteria provided, single submitter. Criteria: Invitae Variant Classification Sherloc (09022015). Collection method: clinical testing. Allele origin: germline.
Comment: In summary, the available evidence is currently insufficient to determine the role of this variant in disease. Therefore, it has been classified as a Variant of Uncertain Significance. Algorithms developed to predict the effect of missense changes on protein structure and function (SIFT, PolyPhen-2, Align-GVGD) all suggest that this variant is likely to be tolerated. This variant has not been reported in the literature in individuals affected with AP3B2-related conditions. This variant is not present in population databases (gnomAD no frequency). This sequence change replaces glutamic acid, which is acidic and polar, with lysine, which is basic and polar, at codon 266 of the AP3B2 protein (p.Glu266Lys).

NM_001278512.2(AP3B2):c.796G>A (p.Glu266Lys)

Genes: AP3B2 (adaptor related protein complex 3 subunit beta 2; minus strand), CPEB1-AS1 (CPEB1 antisense RNA 1; plus strand). Cytogenetic location: 15q25.2.
Variant type: single nucleotide variant.
Coding change: c.796G>A on transcript NM_001278512.2 (MANE Select); coding-DNA position 796, G replaced by A.
Protein change: p.Glu266Lys; replaces glutamic acid 266 with lysine.
Molecular consequence: missense variant.
Genome position (GRCh38, 1-based): chr15:82,680,731, C>T on the plus strand (G>A on the coding strand, the complement: AP3B2 is on the minus strand). VCF-style: chr15-82680731-C-T. GRCh37 (hg19) VCF-style: chr15-83349483-C-T.
Other names: c.700G>A, p.Glu234Lys (NM_001278511.2); c.796G>A, p.Glu266Lys (NM_004644.5); short protein forms E234K, E266K.
Identifiers: ClinVar variation 2126118 (VCV002126118.4), dbSNP rs2548711586, ClinGen allele CA393295510.
Genomic context (GRCh38, chr15:82,680,731, plus strand): 5'-CCGTCTCCTCAGACCCCGCGCCCTTGGCCTCGTCCTCCTCTGAGCCGTAGAAGGCTTTTT[C>T]CGCGTTCTCCTCTAGTAGGGATTCCTGGACGGGGAGACCGACGGGTCTGTGGGCGCCTCC-3'
Protein context (NP_001265441.1, residues 256-276): QNESLLEENA[Glu266Lys]KAFYGSEEDE